The following is an entry in ClinVar:

ClinVar aggregate classification (germline): Conflicting classifications of pathogenicity. Review status: criteria provided, conflicting classifications (1 of 4 stars). 4 submissions from 4 submitters: Uncertain significance (3); Likely benign (1). Last evaluated 2025-05-11.

Conditions:
Cardiovascular phenotype. Identifiers: MedGen CN230736.
Catecholaminergic polymorphic ventricular tachycardia (CVPT). Also called: Catecholamine-induced polymorphic ventricular tachycardia. Identifiers: Orphanet 3286, MedGen C5574922, MONDO:0017990.
Catecholaminergic polymorphic ventricular tachycardia 1. Also called: VENTRICULAR TACHYCARDIA, CATECHOLAMINERGIC POLYMORPHIC, 1, WITH OR WITHOUT ATRIAL DYSFUNCTION AND/OR DILATED CARDIOMYOPATHY; RYR2-Related Catecholaminergic Polymorphic Ventricular Tachycardia; VENTRICULAR TACHYCARDIA, STRESS-INDUCED POLYMORPHIC 1. Identifiers: Orphanet 3286, MedGen C1631597, MONDO:0011484, OMIM 604772.
Cardiomyopathy (CMYO). Also called: Cardiomyopathies. Identifiers: Orphanet 167848, MedGen C0878544, MONDO:0004994, HP:0001638. Inheritance: Various modes of inheritance.

Allele frequency attached by ClinVar (database versions not stated): ExAC 0.00001; gnomAD 0.00001; gnomAD exomes 0.00001.
gnomAD v4.1: 6 of 1,613,358 alleles (0.00037%); highest among the groups gnomAD compares: South Asian, 0.0033%; no homozygotes.

Submissions (4):

Labcorp Genetics (formerly Invitae), Labcorp
Classification: Likely benign for Catecholaminergic polymorphic ventricular tachycardia 1. Last evaluated: 2025-05-11. Review status: criteria provided, single submitter. Criteria: Invitae Variant Classification Sherloc (09022015). Collection method: clinical testing. Allele origin: germline.

All of Us Research Program, National Institutes of Health
Classification: Uncertain significance for Catecholaminergic polymorphic ventricular tachycardia. Last evaluated: 2024-07-29. Review status: criteria provided, single submitter. Criteria: ACMG Guidelines, 2015. Collection method: clinical testing. Allele origin: germline. Inheritance: Autosomal dominant inheritance. Observed: 2 variant alleles, 2 heterozygotes.
Comment: This missense variant replaces isoleucine with valine at codon 289 of the RYR2 protein. Computational prediction is inconclusive regarding the impact of this variant on protein structure and function (internally defined REVEL score threshold 0.5 < inconclusive < 0.7, PMID: 27666373). To our knowledge, functional studies have not been reported for this variant. This variant has not been reported in individuals affected with cardiovascular disorders in the literature. This variant has been identified in 3/248418 chromosomes in the general population by the Genome Aggregation Database (gnomAD). The available evidence is insufficient to determine the role of this variant in disease conclusively. Therefore, this variant is classified as a Variant of Uncertain Significance.

This study involves interpretation of variants in research participants for the purpose of population health screening. Participant phenotype was not available at the time of variant classification. Additional details can be found in publication PMID: 35346344, PMCID: PMC8962531

Ambry Genetics
Classification: Uncertain significance for Cardiovascular phenotype. Last evaluated: 2024-03-27. Review status: criteria provided, single submitter. Criteria: Ambry Variant Classification Scheme 2023. Collection method: clinical testing. Allele origin: germline.
Comment: The p.I289V variant (also known as c.865A>G), located in coding exon 12 of the RYR2 gene, results from an A to G substitution at nucleotide position 865. The isoleucine at codon 289 is replaced by valine, an amino acid with highly similar properties. This amino acid position is well conserved in available vertebrate species. In addition, the in silico prediction for this alteration is inconclusive. Based on the available evidence, the clinical significance of this alteration remains unclear.

Color Diagnostics, LLC DBA Color Health
Classification: Uncertain significance for Cardiomyopathy. Last evaluated: 2024-03-06. Review status: criteria provided, single submitter. Criteria: ACMG Guidelines, 2015. Collection method: clinical testing. Allele origin: germline.
Comment: This missense variant replaces isoleucine with valine at codon 289 of the RYR2 protein. Computational prediction is inconclusive regarding the impact of this variant on protein structure and function (internally defined REVEL score threshold 0.5 < inconclusive < 0.7, PMID: 27666373). To our knowledge, functional studies have not been reported for this variant. This variant has not been reported in individuals affected with cardiovascular disorders in the literature. This variant has been identified in 3/248418 chromosomes in the general population by the Genome Aggregation Database (gnomAD). The available evidence is insufficient to determine the role of this variant in disease conclusively. Therefore, this variant is classified as a Variant of Uncertain Significance.

NM_001035.3(RYR2):c.865A>G (p.Ile289Val)

Gene: RYR2 (ryanodine receptor 2; plus strand). Cytogenetic location: 1q43.
Variant type: single nucleotide variant.
Coding change: c.865A>G on transcript NM_001035.3 (MANE Select); coding-DNA position 865, A replaced by G.
Protein change: p.Ile289Val; replaces isoleucine 289 with valine.
Molecular consequence: missense variant.
Genome position (GRCh38, 1-based): chr1:237,423,108, A>G. VCF-style: chr1-237423108-A-G. GRCh37 (hg19) VCF-style: chr1-237586408-A-G.
Other names: c.865A>G, p.Ile289Val (LRG_402t1); short protein forms I289V.
Identifiers: ClinVar variation 404188 (VCV000404188.17), dbSNP rs767673456, ClinGen allele CA087700.